The following is an entry in ClinVar:

NM_000038.6(APC):c.4787A>G (p.Gln1596Arg)

Gene: APC (APC regulator of Wnt signaling pathway; plus strand). Cytogenetic location: 5q22.2.
Variant type: single nucleotide variant.
Coding change: c.4787A>G on transcript NM_000038.6 (MANE Select); coding-DNA position 4787, A replaced by G.
Protein change: p.Gln1596Arg; replaces glutamine 1596 with arginine.
Molecular consequence: missense variant.
Genome position (GRCh38, 1-based): chr5:112,840,381, A>G. VCF-style: chr5-112840381-A-G. GRCh37 (hg19) VCF-style: chr5-112176078-A-G.
Other names: c.4787A>G, p.Gln1596Arg (NM_001127510.3, NM_001354895.2); c.4733A>G, p.Gln1578Arg (NM_001127511.3); c.4841A>G, p.Gln1614Arg (NM_001354896.2); c.4817A>G, p.Gln1606Arg (NM_001354897.2); c.4712A>G, p.Gln1571Arg (NM_001354898.2); c.4703A>G, p.Gln1568Arg (NM_001354899.2); c.4664A>G, p.Gln1555Arg (NM_001354900.2); c.4610A>G, p.Gln1537Arg (NM_001354901.2); and 5 more; short protein forms Q1313R, Q1436R, Q1470R, Q1495R, Q1571R, Q1537R, Q1596R, Q1505R.
Identifiers: ClinVar variation 651022 (VCV000651022.13), dbSNP rs1561595516, ClinGen allele CA16031823.
Genomic context (GRCh38, chr5:112,840,381, plus strand): 5'-AAGAATGTATTATTTCTGCCATGCCAACAAAGTCATCACGTAAAGCAAAAAAGCCAGCCC[A>G]GACTGCTTCAAAATTACCTCCACCTGTGGCAAGGAAACCAAGTCAGCTGCCTGTGTACAA-3'
Protein context (NP_000029.2, residues 1586-1606): KSSRKAKKPA[Gln1596Arg]TASKLPPPVA

ClinVar aggregate classification (germline): Uncertain significance. Review status: criteria provided, multiple submitters, no conflicts (2 of 4 stars). 3 submissions from 3 submitters: Uncertain significance (3). Last evaluated 2025-03-04.

Conditions:
Familial adenomatous polyposis 1 (FAP1). Also called: FAMILIAL ADENOMATOUS POLYPOSIS 1, ATTENUATED; POLYPOSIS, ADENOMATOUS INTESTINAL. Identifiers: MedGen C2713442, MONDO:0021056, OMIM 175100. Disease mechanism: loss of function.
Hereditary cancer-predisposing syndrome. Also called: Neoplastic Syndromes, Hereditary; Tumor predisposition; Hereditary Cancer Syndrome; Hereditary neoplastic syndrome. Identifiers: Orphanet 140162, MedGen C0027672, MeSH D009386, MONDO:0015356.

Submissions (3):

Center for Genomic Medicine, Rigshospitalet, Copenhagen University Hospital
Classification: Uncertain significance. Last evaluated: 2025-03-04. Review status: criteria provided, single submitter. Criteria: ACMG Guidelines, 2015. Collection method: clinical testing. Allele origin: germline.

Color Diagnostics, LLC DBA Color Health
Classification: Uncertain significance for Hereditary cancer-predisposing syndrome. Last evaluated: 2023-07-06. Review status: criteria provided, single submitter. Criteria: ACMG Guidelines, 2015. Collection method: clinical testing. Allele origin: germline.
Comment: This missense variant replaces glutamine with arginine at codon 1596 of the APC protein. Computational prediction suggests that this variant may not impact protein structure and function (internally defined REVEL score threshold <= 0.5, PMID: 27666373). To our knowledge, functional studies have not been reported for this variant. This variant has not been reported in individuals affected with APC-related disorders in the literature. This variant has not been identified in the general population by the Genome Aggregation Database (gnomAD). The available evidence is insufficient to determine the role of this variant in disease conclusively. Therefore, this variant is classified as a Variant of Uncertain Significance.

Labcorp Genetics (formerly Invitae), Labcorp
Classification: Uncertain significance for Familial adenomatous polyposis 1. Last evaluated: 2018-08-13. Review status: criteria provided, single submitter. Criteria: Invitae Variant Classification Sherloc (09022015). Collection method: clinical testing. Allele origin: germline.
Comment: This sequence change replaces glutamine with arginine at codon 1596 of the APC protein (p.Gln1596Arg). The glutamine residue is highly conserved and there is a small physicochemical difference between glutamine and arginine. This variant is not present in population databases (ExAC no frequency). This variant has not been reported in the literature in individuals with APC-related disease. Algorithms developed to predict the effect of missense changes on protein structure and function are either unavailable or do not agree on the potential impact of this missense change (SIFT: "Deleterious"; PolyPhen-2: "Possibly Damaging"; Align-GVGD: "Class C0"). In summary, the available evidence is currently insufficient to determine the role of this variant in disease. Therefore, it has been classified as a Variant of Uncertain Significance.